The following is an entry in ClinVar:

NM_001040142.2(SCN2A):c.3049G>A (p.Val1017Ile)

Gene: SCN2A (sodium voltage-gated channel alpha subunit 2; plus strand). Cytogenetic location: 2q24.3.
Variant type: single nucleotide variant.
Coding change: c.3049G>A on transcript NM_001040142.2 (MANE Select); coding-DNA position 3049, G replaced by A.
Protein change: p.Val1017Ile; replaces valine 1017 with isoleucine.
Molecular consequence: missense variant.
Genome position (GRCh38, 1-based): chr2:165,354,321, G>A. VCF-style: chr2-165354321-G-A. GRCh37 (hg19) VCF-style: chr2-166210831-G-A.
Other names: c.3049G>A, p.Val1017Ile (NM_001040143.2, NM_001371246.1, NM_001371247.1 and 1 more transcripts); short protein forms V1017I.
Identifiers: ClinVar variation 4789343 (VCV004789343.1).

ClinVar aggregate classification (germline): Uncertain significance (1 of 4 stars; one submission).

Conditions:
Developmental and epileptic encephalopathy, 11 (DEE11). Also called: Early infantile epileptic encephalopathy 11. Identifiers: Orphanet 1934, MedGen C3150987, MONDO:0013388, OMIM 613721.
Seizures, benign familial infantile, 3 (BFIS3). Also called: CONVULSIONS, BENIGN FAMILIAL INFANTILE, 3; Familial neonatal seizures. Identifiers: Orphanet 140927, Orphanet 306, MedGen C1843140, MONDO:0011904, OMIM 607745.

Submission:

Labcorp Genetics (formerly Invitae), Labcorp
Classification: Uncertain significance for Seizures, benign familial infantile, 3; Developmental and epileptic encephalopathy, 11. Last evaluated: 2025-03-16. Review status: criteria provided, single submitter. Criteria: Invitae Variant Classification Sherloc (09022015). Collection method: clinical testing. Allele origin: germline.
Comment: This sequence change replaces valine, which is neutral and non-polar, with isoleucine, which is neutral and non-polar, at codon 1017 of the SCN2A protein (p.Val1017Ile). This variant is not present in population databases (gnomAD no frequency). This variant has not been reported in the literature in individuals affected with SCN2A-related conditions. Invitae Evidence Modeling of protein sequence and biophysical properties (such as structural, functional, and spatial information, amino acid conservation, physicochemical variation, residue mobility, and thermodynamic stability) indicates that this missense variant is not expected to disrupt SCN2A protein function with a negative predictive value of 95%. In summary, the available evidence is currently insufficient to determine the role of this variant in disease. Therefore, it has been classified as a Variant of Uncertain Significance.